The following is an entry in ClinVar:

NM_182914.3(SYNE2):c.12612C>T (p.Gly4204=)

Gene: SYNE2 (spectrin repeat containing nuclear envelope protein 2; plus strand). Cytogenetic location: 14q23.2.
Variant type: single nucleotide variant.
Coding change: c.12612C>T on transcript NM_182914.3 (MANE Select); coding-DNA position 12612, C replaced by T.
Protein change: p.Gly4204=; no amino-acid change (glycine 4204 retained).
Molecular consequence: synonymous variant.
Genome position (GRCh38, 1-based): chr14:64,113,343, C>T. VCF-style: chr14-64113343-C-T. GRCh37 (hg19) VCF-style: chr14-64580061-C-T.
Other names: c.12612C>T, p.Gly4204= (NM_015180.6).
Identifiers: ClinVar variation 130466 (VCV000130466.17), dbSNP rs114604397, ClinGen allele CA155522.

ClinVar aggregate classification (germline): Benign. Review status: criteria provided, multiple submitters, no conflicts (2 of 4 stars). 3 submissions from 3 submitters: Benign (2). 1 of the submissions does not count toward it. Last evaluated 2025-12-30.

Conditions:
Emery-Dreifuss muscular dystrophy 5, autosomal dominant (EDMD5). Also called: EMERY-DREIFUSS MUSCULAR DYSTROPHY 5. Identifiers: Orphanet 261, MedGen C2751805, MONDO:0013072, OMIM 612999.

Allele frequency attached by ClinVar (database versions not stated): gnomAD exomes 0.00057 and 0.00132; TOPMed 0.00536; ESP Exome Variant Server 0.00577; 1000 Genomes Project 0.00599; ExAC 0.00166; gnomAD 0.00477 and 0.00503; 1000 Genomes Project 30x 0.00671.
gnomAD v4.1: 1,594 of 1,613,674 alleles (0.099%); highest among the groups gnomAD compares: African/African-American, 1.6%; 8 homozygotes.

Submissions (3):

Labcorp Genetics (formerly Invitae), Labcorp
Classification: Benign for Emery-Dreifuss muscular dystrophy 5, autosomal dominant. Last evaluated: 2025-12-30. Review status: criteria provided, single submitter. Criteria: Invitae Variant Classification Sherloc (09022015). Collection method: clinical testing. Allele origin: germline.

Breakthrough Genomics
Classification: Benign. Review status: criteria provided, single submitter. Criteria: ACMG Guidelines, 2015. Collection method: not provided. Allele origin: germline. Inheritance: Autosomal dominant inheritance. Affected: yes.

Genetic Services Laboratory, University of Chicago
Classification: Likely benign for AllHighlyPenetrant. Review status: no assertion criteria provided. Collection method: clinical testing. Allele origin: germline. Inheritance: Autosomal dominant inheritance. Not counted in ClinVar's aggregate classification.
Comment: Likely benign based on allele frequency in 1000 Genomes Project or ESP global frequency and its presence in a patient with a rare or unrelated disease phenotype. NOT Sanger confirmed.